The following is an entry in ClinVar:

ClinVar aggregate classification (germline): Uncertain significance (1 of 4 stars; one submission).

Conditions:
Tuberous sclerosis 1 (TSC1). Identifiers: Orphanet 805, MedGen C1854465, MONDO:0008612, OMIM 191100.

Submission:

Labcorp Genetics (formerly Invitae), Labcorp
Classification: Uncertain significance for Tuberous sclerosis 1. Last evaluated: 2025-11-05. Review status: criteria provided, single submitter. Criteria: Invitae Variant Classification Sherloc (09022015). Collection method: clinical testing. Allele origin: germline.
Comment: This sequence change replaces leucine, which is neutral and non-polar, with isoleucine, which is neutral and non-polar, at codon 930 of the TSC1 protein (p.Leu930Ile). This variant is not present in population databases (gnomAD no frequency). This variant has not been reported in the literature in individuals affected with TSC1-related conditions. Invitae Evidence Modeling of protein sequence and biophysical properties (such as structural, functional, and spatial information, amino acid conservation, physicochemical variation, residue mobility, and thermodynamic stability) indicates that this missense variant is not expected to disrupt TSC1 protein function with a negative predictive value of 95%. In summary, the available evidence is currently insufficient to determine the role of this variant in disease. Therefore, it has been classified as a Variant of Uncertain Significance.

NM_000368.5(TSC1):c.2788C>A (p.Leu930Ile)

Gene: TSC1 (TSC complex subunit 1; minus strand). Cytogenetic location: 9q34.13.
Variant type: single nucleotide variant.
Coding change: c.2788C>A on transcript NM_000368.5 (MANE Select); coding-DNA position 2788, C replaced by A.
Protein change: p.Leu930Ile; replaces leucine 930 with isoleucine.
Molecular consequence: missense variant. On other transcripts: non-coding transcript variant (5).
Genome position (GRCh38, 1-based): chr9:132,897,448, G>T on the plus strand (C>A on the coding strand, the complement: TSC1 is on the minus strand). VCF-style: chr9-132897448-G-T. GRCh37 (hg19) VCF-style: chr9-135772835-G-T.
Other names: c.2785C>A, p.Leu929Ile (NM_001162426.2, NM_001406597.1, NM_001406598.1 and 2 more transcripts); c.2635C>A, p.Leu879Ile (NM_001162427.2, NM_001406610.1); c.2425C>A, p.Leu809Ile (NM_001362177.2, NM_001406614.1, NM_001406615.1 and 4 more transcripts); c.2773C>A, p.Leu925Ile (NM_001406601.1, NM_001406602.1); c.2770C>A, p.Leu924Ile (NM_001406603.1, NM_001406604.1); c.2746C>A, p.Leu916Ile (NM_001406605.1, NM_001406606.1, NM_001406607.1); c.2743C>A, p.Leu915Ile (NM_001406608.1, NM_001406609.1); c.2422C>A, p.Leu808Ile (NM_001406620.1, NM_001406621.1, NM_001406622.1 and 1 more transcripts); and 8 more; short protein forms L809I, L916I, L929I, L930I, L613I, L915I, L924I, L795I.
Identifiers: ClinVar variation 4709633 (VCV004709633.1).